The following is an entry in ClinVar:

NM_001348768.2(HECW2):c.1775G>T (p.Arg592Leu)

Gene: HECW2 (HECT, C2 and WW domain containing E3 ubiquitin protein ligase 2; minus strand). Cytogenetic location: 2q32.3.
Variant type: single nucleotide variant.
Coding change: c.1775G>T on transcript NM_001348768.2 (MANE Select); coding-DNA position 1775, G replaced by T.
Protein change: p.Arg592Leu; replaces arginine 592 with leucine.
Molecular consequence: missense variant.
Genome position (GRCh38, 1-based): chr2:196,319,115, C>A on the plus strand (G>T on the coding strand, the complement: HECW2 is on the minus strand). VCF-style: chr2-196319115-C-A. GRCh37 (hg19) VCF-style: chr2-197183839-C-A.
Other names: c.707G>T, p.Arg236Leu (NM_001304840.3); c.1775G>T, p.Arg592Leu (NM_020760.4); short protein forms R236L, R592L.
Identifiers: ClinVar variation 3389025 (VCV003389025.14).

ClinVar aggregate classification (germline): Likely benign (1 of 4 stars; one submission).

gnomAD v4.1: 4 of 1,593,804 alleles (0.00025%); highest among the groups gnomAD compares: Non-Finnish European, 0.00034%; no homozygotes.

Submission:

CeGaT Center for Human Genetics Tuebingen
Classification: Likely benign. Last evaluated: 2024-11-01. Review status: criteria provided, single submitter. Criteria: CeGaT Center For Human Genetics Tuebingen Variant Classification Criteria Version 2. Collection method: clinical testing. Allele origin: germline. Affected: yes. Observed: 1 variant allele.
Comment: HECW2: BP4, BS2